The following is an entry in ClinVar:

ClinVar aggregate classification (germline): Benign/Likely benign. Review status: criteria provided, multiple submitters, no conflicts (2 of 4 stars). 2 submissions from 2 submitters: Benign (1); Likely benign (1). Last evaluated 2018-06-14.

Allele frequency attached by ClinVar (database versions not stated): gnomAD 0.02983 and 0.02766; 1000 Genomes Project 30x 0.03389; 1000 Genomes Project 0.03075; TOPMed 0.03110.

Submissions (2):

GeneDx
Classification: Benign. Last evaluated: 2018-06-14. Review status: criteria provided, single submitter. Criteria: GeneDx Variant Classification (06012015). Collection method: clinical testing. Allele origin: germline. Affected: yes.
Comment: This variant is considered likely benign or benign based on one or more of the following criteria: it is a conservative change, it occurs at a poorly conserved position in the protein, it is predicted to be benign by multiple in silico algorithms, and/or has population frequency not consistent with disease.

Breakthrough Genomics
Classification: Likely benign. Review status: criteria provided, single submitter. Criteria: ACMG Guidelines, 2015. Collection method: not provided. Allele origin: germline. Inheritance: Autosomal dominant inheritance. Affected: yes.

NM_018006.4(TRMU):c.-178G>A

Gene: TRMU (tRNA mitochondrial 2-thiouridylase; plus strand). Cytogenetic location: 22q13.31.
Variant type: single nucleotide variant.
Coding change: c.-178G>A on transcript NM_018006.4; 178 bases upstream of the start codon, G replaced by A.
Genome position (GRCh38, 1-based): chr22:46,335,587, G>A. VCF-style: chr22-46335587-G-A. GRCh37 (hg19) VCF-style: chr22-46731484-G-A.
Identifiers: ClinVar variation 341994 (VCV000341994.9), dbSNP rs114587018, ClinGen allele CA10645685.